The following is an entry in ClinVar:

ClinVar aggregate classification (germline): Uncertain significance (1 of 4 stars; one submission).

Conditions:
Leigh syndrome (NULS). Also called: Leigh's necrotizing encephalopathy; Leigh's disease; Leigh Syndrome (mtDNA deletion); Leigh Disease; Subacute necrotizing encephalopathy; Necrotizing encephalopathy infantile subacute of Leigh. Identifiers: Orphanet 506, MedGen C2931891, MONDO:0009723, OMIM 256000.

Submission:

Wong Mito Lab, Molecular and Human Genetics, Baylor College of Medicine
Classification: Uncertain significance for Leigh syndrome. Last evaluated: 2019-10-17. Review status: criteria provided, single submitter. Criteria: Modified ACMG Guidelines (Unpublished). Collection method: clinical testing. Allele origin: germline.
Comment: The NC_012920.1:m.11139T>C (YP_003024035.1:p.Ile127Thr) variant in MTND4 gene is interpretated to be a Uncertain Significance variant based on the modified ACMG guidelines (unpublished). This variant meets the following evidence codes: PP3, PP7

NC_012920.1(MT-ND4):m.11139T>C

Gene: MT-ND4 (mitochondrially encoded NADH dehydrogenase 4; plus strand).
Variant type: single nucleotide variant.
Genome position: chrM-11139-T-C.
Identifiers: ClinVar variation 693345 (VCV000693345.1), dbSNP rs1603223126, ClinGen allele CA414809549.